The following is an entry in ClinVar:

ClinVar aggregate classification (germline): Likely benign. Review status: criteria provided, single submitter (1 of 4 stars). 2 submissions from 2 submitters: Likely benign (1). 1 of the submissions does not count toward it. Last evaluated 2025-09-10.

Conditions:
Idiopathic generalized epilepsy. Also called: Generalised epilepsy; EIG. Identifiers: MedGen C0270850, MONDO:0005579, OMIM 600669.
GABRD-related disorder. Also called: GABRD-related condition.

Allele frequency attached by ClinVar (database versions not stated): gnomAD exomes 0.00002; ExAC 0.00004; gnomAD 0.00004; TOPMed 0.00005; ESP Exome Variant Server 0.00008.

Submissions (2):

Labcorp Genetics (formerly Invitae), Labcorp
Classification: Likely benign for Idiopathic generalized epilepsy. Last evaluated: 2025-09-10. Review status: criteria provided, single submitter. Criteria: Invitae Variant Classification Sherloc (09022015). Collection method: clinical testing. Allele origin: germline.

PreventionGenetics, part of Exact Sciences
Classification: Likely benign for GABRD-related condition. Last evaluated: 2019-05-28. Review status: no assertion criteria provided. Collection method: clinical testing. Allele origin: germline. Not counted in ClinVar's aggregate classification.
Comment: This variant is classified as likely benign based on ACMG/AMP sequence variant interpretation guidelines (Richards et al. 2015 PMID: 25741868, with internal and published modifications).

NM_000815.5(GABRD):c.1296C>T (p.Arg432=)

Gene: GABRD (gamma-aminobutyric acid type A receptor subunit delta; plus strand). Cytogenetic location: 1p36.33.
Variant type: single nucleotide variant.
Coding change: c.1296C>T on transcript NM_000815.5 (MANE Select); coding-DNA position 1296, C replaced by T.
Protein change: p.Arg432=; no amino-acid change (arginine 432 retained).
Molecular consequence: synonymous variant.
Genome position (GRCh38, 1-based): chr1:2,030,219, C>T. VCF-style: chr1-2030219-C-T. GRCh37 (hg19) VCF-style: chr1-1961658-C-T.
Other names: c.1296C>T (NM_000815.4).
Identifiers: ClinVar variation 1116966 (VCV001116966.11), dbSNP rs375374936, ClinGen allele CA534968.